The following is an entry in ClinVar:

NM_178452.6(DNAAF1):c.2131C>G (p.Leu711Val)

Gene: DNAAF1 (dynein axonemal assembly factor 1; plus strand). Cytogenetic location: 16q24.1.
Variant type: single nucleotide variant.
Coding change: c.2131C>G on transcript NM_178452.6 (MANE Select); coding-DNA position 2131, C replaced by G.
Protein change: p.Leu711Val; replaces leucine 711 with valine.
Molecular consequence: missense variant.
Genome position (GRCh38, 1-based): chr16:84,177,794, C>G. VCF-style: chr16-84177794-C-G. GRCh37 (hg19) VCF-style: chr16-84211400-C-G.
Other names: c.1423C>G, p.Leu475Val (NM_001318756.1); short protein forms L475V, L711V.
Identifiers: ClinVar variation 4641139 (VCV004641139.2).

ClinVar aggregate classification (germline): Uncertain significance (1 of 4 stars; one submission).

Conditions:
Primary ciliary dyskinesia. Also called: Ciliary dyskinesia. Identifiers: Orphanet 244, MedGen C0008780, MONDO:0016575, HP:0012265.

gnomAD v4.1: 20 of 1,614,136 alleles (0.0012%); highest among the groups gnomAD compares: East Asian, 0.045%; no homozygotes.

Submission:

Ambry Genetics
Classification: Uncertain significance for Primary ciliary dyskinesia. Last evaluated: 2026-05-24. Review status: criteria provided, single submitter. Criteria: Ambry Variant Classification Scheme 2023. Collection method: clinical testing. Allele origin: germline.
Comment: The p.L711V variant (also known as c.2131C>G), located in coding exon 12 of the DNAAF1 gene, results from a C to G substitution at nucleotide position 2131. The leucine at codon 711 is replaced by valine, an amino acid with highly similar properties. This amino acid position is conserved. In addition, this alteration is predicted to be tolerated by in silico analysis. Based on the available evidence, the clinical significance of this variant remains unclear.